The following continues an entry in ClinVar:

NM_003119.4(SPG7):c.1715C>T (p.Ala572Val)

Gene: SPG7. ClinVar aggregate classification (germline): Pathogenic. Pathogenic (16).

Submissions 11 to 16 of 16:

Athena Diagnostics
Classification: Pathogenic. Last evaluated: 2022-03-11. Review status: criteria provided, single submitter. Criteria: Athena Diagnostics Criteria. Collection method: clinical testing. Allele origin: unknown.
Comment: The frequency of this variant in the general population is consistent with pathogenicity. This variant is statistically more frequent in affected individuals than in the general population and/or healthy controls. In multiple individuals, this variant has been seen with a single recessive pathogenic variant in the same gene, suggesting this variant may also be pathogenic. Computational tools predict that this variant is damaging. The variant is located in a region that is considered important for protein function and/or structure.

PROSPAX: an integrated multimodal progression  chart in spastic ataxias, Center for Neurology; Hertie-Institute for Clinical Brain Research
Classification: Pathogenic for Hereditary spastic paraplegia 7. Last evaluated: 2022-01-01. Review status: criteria provided, single submitter. Criteria: ACMG Guidelines, 2015. Collection method: research. Allele origin: germline. Affected: yes. Observed: 6 variant alleles, 4 compound heterozygotes, 2 homozygotes.

Genome Diagnostics Laboratory, The Hospital for Sick Children
Classification: Pathogenic for Hereditary spastic paraplegia. Last evaluated: 2021-11-16. Review status: criteria provided, single submitter. Criteria: ACMG Guidelines, 2015. Collection method: clinical testing. Allele origin: germline. Affected: yes.

Genetic Services Laboratory, University of Chicago
Classification: Pathogenic. Last evaluated: 2021-04-21. Review status: criteria provided, single submitter. Criteria: ACMG Guidelines, 2015. Collection method: clinical testing. Allele origin: germline. Affected: yes.
Comment: DNA sequence analysis of the SPG7 gene demonstrated a sequence change, c.1715C>T variant in exon 13 that results in an amino acid change, p.Ala572Val. This sequence change has been described in the gnomAD database with a low population frequency of 0.0036% (dbSNP rs72547551). This pathogenic sequence change has previously been described in several patients with SPG7-related spastic paraplegia and ataxia (Wilkinson et al., 2004; Klebe et al., 2012; Pfeffer et al., 2015; Choquet et al., 2015). The p.Ala572Val change affects a highly conserved amino acid residue located in a domain of the SPG7 protein that is known to be functional. The p.Ala572Val substitution appears to be deleterious using several in-silico pathogenicity prediction tools (SIFT, PolyPhen2, Align GVGD, REVEL).

CeGaT Center for Human Genetics Tuebingen
Classification: Pathogenic. Last evaluated: 2018-06-01. Review status: criteria provided, single submitter. Criteria: CeGaT Center For Human Genetics Tuebingen Variant Classification Criteria Version 2. Collection method: clinical testing. Allele origin: germline. Affected: yes. Observed: 2 variant alleles.

Neurogenetics of motion laboratory, Montreal Neurological Institute
Classification: Pathogenic for Spastic paraplegia 7. Review status: criteria provided, single submitter. Criteria: ACMG Guidelines, 2015. Collection method: case-control. Allele origin: germline. Affected: yes. Observed: 7 compound heterozygotes. Clinical features observed: Ataxia, Spasticity, Dysarthria, Nystagmus. Study: Care4Rare - Neurogenetics of motion laboratory. Segregation with disease observed.

Literature cited by the submitters: PubMed 14985266 (cited by 4 submitters); PubMed 23065789 (cited by 4 submitters); PubMed 25681447 (cited by 6 submitters); PubMed 26626314 (cited by 6 submitters); PubMed 29246610 (cited by 4 submitters); PubMed 29482223 (cited by Mayo Clinic Laboratories, Mayo Clinic); PubMed 33059505 (cited by Mayo Clinic Laboratories, Mayo Clinic); PubMed 33624863 (cited by 3 submitters); PubMed 34405107 (cited by Mayo Clinic Laboratories, Mayo Clinic and Ambry Genetics); PubMed 37090936 (cited by Mayo Clinic Laboratories, Mayo Clinic and Ambry Genetics); PubMed 25497598 (cited by Ambry Genetics and Athena Diagnostics); PubMed 30533525 (cited by Ambry Genetics and Athena Diagnostics); PubMed 32816195 (cited by Ambry Genetics); PubMed 31854126 (cited by Victorian Clinical Genetics Services, Murdoch Childrens Research Institute); PubMed 32548275 (cited by Victorian Clinical Genetics Services, Murdoch Childrens Research Institute); PubMed 22571692 (cited by Athena Diagnostics).